The following is an entry in ClinVar:

NM_001267550.2(TTN):c.97583G>C (p.Gly32528Ala)

Genes: TTN (titin; minus strand), TTN-AS1 (TTN antisense RNA 1; plus strand). Cytogenetic location: 2q31.2.
Variant type: single nucleotide variant.
Coding change: c.97583G>C on transcript NM_001267550.2 (MANE Select); coding-DNA position 97583, G replaced by C.
Protein change: p.Gly32528Ala; replaces glycine 32528 with alanine.
Molecular consequence: missense variant.
Genome position (GRCh38, 1-based): chr2:178,541,494, C>G on the plus strand (G>C on the coding strand, the complement: TTN is on the minus strand). VCF-style: chr2-178541494-C-G. GRCh37 (hg19) VCF-style: chr2-179406221-C-G.
Other names: c.92660G>C, p.Gly30887Ala (NM_001256850.1); c.70388G>C, p.Gly23463Ala (NM_003319.4); c.89879G>C, p.Gly29960Ala (NM_133378.4); c.70763G>C, p.Gly23588Ala (NM_133432.3); c.70964G>C, p.Gly23655Ala (NM_133437.4); short protein forms G23655A, G23463A, G30887A, G32528A, G23588A, G29960A.
Identifiers: ClinVar variation 1756810 (VCV001756810.2), dbSNP rs56066673, ClinGen allele CA349437278.

ClinVar aggregate classification (germline): Uncertain significance (1 of 4 stars; one submission).

Conditions:
Cardiovascular phenotype. Identifiers: MedGen CN230736.

Submission:

Ambry Genetics
Classification: Uncertain significance for Cardiovascular phenotype. Last evaluated: 2018-11-09. Review status: criteria provided, single submitter. Criteria: Ambry Variant Classification Scheme 2023. Collection method: clinical testing. Allele origin: germline.
Comment: The p.G23463A variant (also known as c.70388G>C), located in coding exon 177 of the TTN gene, results from a G to C substitution at nucleotide position 70388. The glycine at codon 23463 is replaced by alanine, an amino acid with similar properties. This amino acid position is well conserved in available vertebrate species. In addition, this alteration is predicted to be probably damaging by PolyPhen in silico analysis, respectively. Since supporting evidence is limited at this time, the clinical significance of this alteration remains unclear.